The following is an entry in ClinVar:

NM_001943.5(DSG2):c.1211C>A (p.Ser404Ter)

Gene: DSG2 (desmoglein 2; plus strand). Cytogenetic location: 18q12.1.
Variant type: single nucleotide variant.
Coding change: c.1211C>A on transcript NM_001943.5 (MANE Select); coding-DNA position 1211, C replaced by A.
Protein change: p.Ser404Ter; replaces serine 404 with a stop codon.
Molecular consequence: nonsense.
Genome position (GRCh38, 1-based): chr18:31,531,183, C>A. VCF-style: chr18-31531183-C-A. GRCh37 (hg19) VCF-style: chr18-29111146-C-A.
Other names: short protein forms S404*.
Identifiers: ClinVar variation 4757693 (VCV004757693.1).
Genomic context (GRCh38, chr18:31,531,183, plus strand): 5'-AAGGCATTCATTTTAAAAGCAGCGTCATCTCAATTTATGTTAGCGAGAGCATGGATAGAT[C>A]AAGCAAAGGCCAAATAATTGGAAATTTTCAAGCTTTTGATGAGGACACTGGACTACCAGC-3'

ClinVar aggregate classification (germline): Uncertain significance (1 of 4 stars; one submission).

Conditions:
Cardiomyopathy (CMYO). Also called: Cardiomyopathies. Identifiers: Orphanet 167848, MedGen C0878544, MONDO:0004994, HP:0001638. Inheritance: Various modes of inheritance.

Submission:

Color Diagnostics, LLC DBA Color Health
Classification: Uncertain significance for Cardiomyopathy. Last evaluated: 2025-08-08. Review status: criteria provided, single submitter. Criteria: ACMG Guidelines, 2015. Collection method: clinical testing. Allele origin: germline.
Comment: This variant changes 1 nucleotide in exon 9 of the DSG2 gene, creating a premature translation stop signal. This variant is expected to result in an absent protein product. To our knowledge, this variant has not been reported in individuals affected with DSG2-related disorders in the literature. This variant has not been identified in the general population by the Genome Aggregation Database (gnomAD). The role of loss-of-function DSG2 truncation variants in autosomal dominant cardiovascular disorders is not clearly understood. The available evidence is insufficient to determine the role of this variant in disease conclusively. Therefore, this variant is classified as a Variant of Uncertain Significance.